The following is an entry in ClinVar:

NM_016579.4(CD320):c.503-155_503-154del

Gene: CD320 (CD320 molecule; minus strand). Cytogenetic location: 19p13.2.
Variant type: Deletion.
Coding change: c.503-155_503-154del on transcript NM_016579.4 (MANE Select); 155 bases into the intron before coding-DNA position 503 through 154 bases into the intron before coding-DNA position 503, 2 bases deleted (CC; older notation c.503-155_503-154delCC).
Molecular consequence: intron variant.
Genome position (GRCh38, 1-based): chr19:8,303,134-8,303,135, GG deleted on the plus strand (CC on the coding strand, the reverse complement: CD320 is on the minus strand). VCF-style (leftmost placement, unchanged base first): chr19-8303133-TGG-T. GRCh37 (hg19) VCF-style: chr19-8368017-TGG-T.
Other names: c.377-155_377-154del (NM_001165895.2).
Identifiers: ClinVar variation 1691751 (VCV001691751.2), dbSNP rs1568556541, ClinGen allele CA631354963.

ClinVar aggregate classification (germline): Likely benign (1 of 4 stars; one submission).

Allele frequency attached by ClinVar (database versions not stated): gnomAD 0.00762 and 0.00814.

Submission:

GeneDx
Classification: Likely benign. Last evaluated: 2021-06-20. Review status: criteria provided, single submitter. Criteria: GeneDx Variant Classification Process June 2021. Collection method: clinical testing. Allele origin: germline. Affected: yes.
Comment: See Variant Classification Assertion Criteria.